The following is an entry in ClinVar:

NM_004281.4(BAG3):c.250C>G (p.Pro84Ala)

Gene: BAG3 (BAG cochaperone 3; plus strand). Cytogenetic location: 10q26.11.
Variant type: single nucleotide variant.
Coding change: c.250C>G on transcript NM_004281.4 (MANE Select); coding-DNA position 250, C replaced by G.
Protein change: p.Pro84Ala; replaces proline 84 with alanine.
Molecular consequence: missense variant.
Genome position (GRCh38, 1-based): chr10:119,669,920, C>G. VCF-style: chr10-119669920-C-G. GRCh37 (hg19) VCF-style: chr10-121429432-C-G.
Other names: short protein forms P84A.
Identifiers: ClinVar variation 2947889 (VCV002947889.4), dbSNP rs756864793, ClinGen allele CA378294725.

ClinVar aggregate classification (germline): Conflicting classifications of pathogenicity. Review status: criteria provided, conflicting classifications (1 of 4 stars). 2 submissions from 2 submitters: Uncertain significance (1); Likely benign (1). Last evaluated 2025-04-12.

Conditions:
Myofibrillar myopathy 6. Identifiers: Orphanet 199340, MedGen C2751831, MONDO:0013061, OMIM 612954.
Dilated cardiomyopathy 1HH (CMD1HH). Identifiers: Orphanet 154, MedGen C3151293, MONDO:0013479, OMIM 613881.
Cardiovascular phenotype. Identifiers: MedGen CN230736.

Submissions (2):

Ambry Genetics
Classification: Likely benign for Cardiovascular phenotype. Last evaluated: 2025-04-12. Review status: criteria provided, single submitter. Criteria: Ambry Variant Classification Scheme 2023. Collection method: clinical testing. Allele origin: germline.

Labcorp Genetics (formerly Invitae), Labcorp
Classification: Uncertain significance for Dilated cardiomyopathy 1HH; Myofibrillar myopathy 6. Last evaluated: 2023-05-18. Review status: criteria provided, single submitter. Criteria: Invitae Variant Classification Sherloc (09022015). Collection method: clinical testing. Allele origin: germline.
Comment: Advanced modeling of protein sequence and biophysical properties (such as structural, functional, and spatial information, amino acid conservation, physicochemical variation, residue mobility, and thermodynamic stability) performed at Invitae indicates that this missense variant is not expected to disrupt BAG3 protein function. In summary, the available evidence is currently insufficient to determine the role of this variant in disease. Therefore, it has been classified as a Variant of Uncertain Significance. This variant has not been reported in the literature in individuals affected with BAG3-related conditions. This variant is present in population databases (no rsID available, gnomAD 0.003%). This sequence change replaces proline, which is neutral and non-polar, with alanine, which is neutral and non-polar, at codon 84 of the BAG3 protein (p.Pro84Ala).